The following is an entry in ClinVar:

NM_173689.7(CRB2):c.1171C>T (p.Arg391Cys)

Gene: CRB2 (crumbs cell polarity complex component 2; plus strand). Cytogenetic location: 9q33.3.
Variant type: single nucleotide variant.
Coding change: c.1171C>T on transcript NM_173689.7 (MANE Select); coding-DNA position 1171, C replaced by T.
Protein change: p.Arg391Cys; replaces arginine 391 with cysteine.
Molecular consequence: missense variant. On other transcripts: non-coding transcript variant (1).
Genome position (GRCh38, 1-based): chr9:123,370,224, C>T. VCF-style: chr9-123370224-C-T. GRCh37 (hg19) VCF-style: chr9-126132503-C-T.
Other names: c.1171C>T (NM_173689.5); short protein forms R391C.
Identifiers: ClinVar variation 1481620 (VCV001481620.7), dbSNP rs762973665, ClinGen allele CA5231917.

ClinVar aggregate classification (germline): Uncertain significance. Review status: criteria provided, multiple submitters, no conflicts (2 of 4 stars). 2 submissions from 2 submitters: Uncertain significance (2). Last evaluated 2025-02-13.

Conditions:
Inborn genetic diseases. Identifiers: MedGen C0950123, MeSH D030342.

Allele frequency attached by ClinVar (database versions not stated): gnomAD 0.00001 and 0.00002; gnomAD exomes 0.00001 and 0.00002; TOPMed 0.00001; ExAC 0.00003.
gnomAD v4.1: 12 of 1,613,020 alleles (0.00074%); highest among the groups gnomAD compares: South Asian, 0.0044%; no homozygotes.

Submissions (2):

Ambry Genetics
Classification: Uncertain significance for Inborn genetic diseases. Last evaluated: 2025-02-13. Review status: criteria provided, single submitter. Criteria: Ambry Variant Classification Scheme 2023. Collection method: clinical testing. Allele origin: germline.

Labcorp Genetics (formerly Invitae), Labcorp
Classification: Uncertain significance. Last evaluated: 2022-06-28. Review status: criteria provided, single submitter. Criteria: Invitae Variant Classification Sherloc (09022015). Collection method: clinical testing. Allele origin: germline.
Comment: Advanced modeling of protein sequence and biophysical properties (such as structural, functional, and spatial information, amino acid conservation, physicochemical variation, residue mobility, and thermodynamic stability) performed at Invitae indicates that this missense variant is not expected to disrupt CRB2 protein function. In summary, the available evidence is currently insufficient to determine the role of this variant in disease. Therefore, it has been classified as a Variant of Uncertain Significance. Algorithms developed to predict the effect of sequence changes on RNA splicing suggest that this variant may create or strengthen a splice site. This variant has not been reported in the literature in individuals affected with CRB2-related conditions. This variant is present in population databases (rs762973665, gnomAD 0.01%). This sequence change replaces arginine, which is basic and polar, with cysteine, which is neutral and slightly polar, at codon 391 of the CRB2 protein (p.Arg391Cys).